The following is an entry in ClinVar:

NM_001374828.1(ARID1B):c.295G>A (p.Ala99Thr)

Genes: ARID1B (AT-rich interaction domain 1B; plus strand), LOC115308161 (uncharacterized LOC115308161; minus strand), LOC129997523 (ATAC-STARR-seq lymphoblastoid silent region 17710; plus strand). Cytogenetic location: 6q25.3.
Variant type: single nucleotide variant.
Coding change: c.295G>A on transcript NM_001374828.1 (MANE Select); coding-DNA position 295, G replaced by A.
Protein change: p.Ala99Thr; replaces alanine 99 with threonine.
Molecular consequence: missense variant.
Genome position (GRCh38, 1-based): chr6:156,777,975, G>A. VCF-style: chr6-156777975-G-A. GRCh37 (hg19) VCF-style: chr6-157099109-G-A.
Other names: c.46G>A, p.Ala16Thr (NM_001346813.1, NM_020732.3); c.295G>A, p.Ala99Thr (NM_001371656.1, NM_001374820.1, NM_017519.3); c.-129G>A (NM_175863.2); short protein forms A16T, A99T.
Identifiers: ClinVar variation 1967176 (VCV001967176.5), dbSNP rs1294708279, ClinGen allele CA366381009.
Genomic context (GRCh38, chr6:156,777,975, plus strand): 5'-CGTCACGAACTCAACATGGCCCATAACGCGGGCGCCGCGGCCGCCGCCGGCACCCACAGC[G>A]CCAAGAGCGGCGGCTCCGAGGCGGCTCTCAAGGAGGGTGGAAGCGCCGCCGCGCTGTCCT-3'
Protein context (NP_001361757.1, residues 89-109): GAAAAAGTHS[Ala99Thr]KSGGSEAALK

ClinVar aggregate classification (germline): Uncertain significance (1 of 4 stars; one submission).

Allele frequency attached by ClinVar (database versions not stated): gnomAD exomes 0.00001.
gnomAD v4.1: 9 of 1,530,648 alleles (0.00059%); highest among the groups gnomAD compares: South Asian, 0.0012%; no homozygotes.

Submission:

Labcorp Genetics (formerly Invitae), Labcorp
Classification: Uncertain significance. Last evaluated: 2024-11-11. Review status: criteria provided, single submitter. Criteria: Invitae Variant Classification Sherloc (09022015). Collection method: clinical testing. Allele origin: germline.
Comment: This sequence change replaces alanine, which is neutral and non-polar, with threonine, which is neutral and polar, at codon 16 of the ARID1B protein (p.Ala16Thr). This variant is not present in population databases (gnomAD no frequency). This variant has not been reported in the literature in individuals affected with ARID1B-related conditions. ClinVar contains an entry for this variant (Variation ID: 1967176). Invitae Evidence Modeling of protein sequence and biophysical properties (such as structural, functional, and spatial information, amino acid conservation, physicochemical variation, residue mobility, and thermodynamic stability) indicates that this missense variant is not expected to disrupt ARID1B protein function with a negative predictive value of 95%. In summary, the available evidence is currently insufficient to determine the role of this variant in disease. Therefore, it has been classified as a Variant of Uncertain Significance.